The following is an entry in ClinVar:

ClinVar aggregate classification (germline): Uncertain significance (1 of 4 stars; one submission).

Allele frequency attached by ClinVar (database versions not stated): TOPMed below 0.00001.

Submission:

Labcorp Genetics (formerly Invitae), Labcorp
Classification: Uncertain significance. Last evaluated: 2025-02-17. Review status: criteria provided, single submitter. Criteria: Invitae Variant Classification Sherloc (09022015). Collection method: clinical testing. Allele origin: germline.
Comment: This sequence change creates a premature translational stop signal (p.Glu110*) in the ASRGL1 gene. It is expected to result in an absent or disrupted protein product. However, the current clinical and genetic evidence is not sufficient to establish whether loss-of-function variants in ASRGL1 cause disease. This variant is not present in population databases (gnomAD no frequency). This variant has not been reported in the literature in individuals affected with ASRGL1-related conditions. ClinVar contains an entry for this variant (Variation ID: 1503493). In summary, the available evidence is currently insufficient to determine the role of this variant in disease. Therefore, it has been classified as a Variant of Uncertain Significance.

NM_001083926.2(ASRGL1):c.328G>T (p.Glu110Ter)

Gene: ASRGL1 (asparaginase and isoaspartyl peptidase 1; plus strand). Cytogenetic location: 11q12.3.
Variant type: single nucleotide variant.
Coding change: c.328G>T on transcript NM_001083926.2 (MANE Select); coding-DNA position 328, G replaced by T.
Protein change: p.Glu110Ter; replaces glutamic acid 110 with a stop codon.
Molecular consequence: nonsense.
Genome position (GRCh38, 1-based): chr11:62,356,462, G>T. VCF-style: chr11-62356462-G-T. GRCh37 (hg19) VCF-style: chr11-62123934-G-T.
Other names: c.328G>T, p.Glu110Ter (NM_025080.4); short protein forms E110*.
Identifiers: ClinVar variation 1503493 (VCV001503493.6), dbSNP rs1946299666, ClinGen allele CA380865595.